The following is an entry in ClinVar:

ClinVar aggregate classification (germline): Uncertain significance (1 of 4 stars; one submission).

Conditions:
Inborn genetic diseases. Identifiers: MedGen C0950123, MeSH D030342.

Submission:

Ambry Genetics
Classification: Uncertain significance for Inborn genetic diseases. Last evaluated: 2025-04-19. Review status: criteria provided, single submitter. Criteria: Ambry Variant Classification Scheme 2023. Collection method: clinical testing. Allele origin: germline.
Comment: The p.A718G variant (also known as c.2153C>G), located in coding exon 24 of the RTEL1 gene, results from a C to G substitution at nucleotide position 2153. The alanine at codon 718 is replaced by glycine, an amino acid with similar properties. This amino acid position is conserved. In addition, this alteration is predicted to be tolerated by in silico analysis. Based on the available evidence, the clinical significance of this variant remains unclear.

NM_001283009.2(RTEL1):c.2153C>G (p.Ala718Gly)

Genes: RTEL1 (regulator of telomere elongation helicase 1; plus strand), RTEL1-TNFRSF6B (RTEL1-TNFRSF6B readthrough (NMD candidate); plus strand). Cytogenetic location: 20q13.33.
Variant type: single nucleotide variant.
Coding change: c.2153C>G on transcript NM_001283009.2 (MANE Select); coding-DNA position 2153, C replaced by G.
Protein change: p.Ala718Gly; replaces alanine 718 with glycine.
Molecular consequence: missense variant. On other transcripts: non-coding transcript variant (1).
Genome position (GRCh38, 1-based): chr20:63,690,098, C>G. VCF-style: chr20-63690098-C-G. GRCh37 (hg19) VCF-style: chr20-62321451-C-G.
Other names: c.1484C>G, p.Ala495Gly (NM_001283010.1); c.2153C>G, p.Ala718Gly (NM_016434.4); c.2225C>G, p.Ala742Gly (NM_032957.5); short protein forms A495G, A742G, A718G.
Identifiers: ClinVar variation 3948340 (VCV003948340.1).